The following is an entry in ClinVar:

NM_000301.5(PLG):c.528C>A (p.Cys176Ter)

Gene: PLG (plasminogen; plus strand). Cytogenetic location: 6q26.
Variant type: single nucleotide variant.
Coding change: c.528C>A on transcript NM_000301.5 (MANE Select); coding-DNA position 528, C replaced by A.
Protein change: p.Cys176Ter; replaces cysteine 176 with a stop codon.
Molecular consequence: nonsense.
Genome position (GRCh38, 1-based): chr6:160,713,106, C>A. VCF-style: chr6-160713106-C-A. GRCh37 (hg19) VCF-style: chr6-161134138-C-A.
Other names: short protein forms C176*.
Identifiers: ClinVar variation 3717788 (VCV003717788.2).

ClinVar aggregate classification (germline): Pathogenic (1 of 4 stars; one submission).

Submission:

Labcorp Genetics (formerly Invitae), Labcorp
Classification: Pathogenic. Last evaluated: 2024-11-12. Review status: criteria provided, single submitter. Criteria: Invitae Variant Classification Sherloc (09022015). Collection method: clinical testing. Allele origin: germline.
Comment: This sequence change creates a premature translational stop signal (p.Cys176*) in the PLG gene. It is expected to result in an absent or disrupted protein product. Loss-of-function variants in PLG are known to be pathogenic (PMID: 16849641). This variant is present in population databases (rs558599800, gnomAD 0.0009%). This variant has not been reported in the literature in individuals affected with PLG-related conditions. For these reasons, this variant has been classified as Pathogenic.

Literature cited by the submitters: PubMed 16849641.